The following is an entry in ClinVar:

NM_001372106.1(DNAH10):c.1752dup (p.Phe585fs)

Gene: DNAH10 (dynein axonemal heavy chain 10; plus strand). Cytogenetic location: 12q24.31.
Variant type: Duplication.
Coding change: c.1752dup on transcript NM_001372106.1 (MANE Select); coding-DNA position 1752, one base duplicated (C; older notation c.1752dupC).
Protein change: p.Phe585fs; shifts the reading frame from phenylalanine 585.
Molecular consequence: frameshift variant.
Genome position (GRCh38, 1-based): chr12:123,790,058, C duplicated; the last of 4 consecutive C bases (chr12:123,790,055-123,790,058); duplicating any one gives the same sequence. VCF-style (leftmost placement, unchanged base first): chr12-123790054-A-AC. GRCh37 (hg19) VCF-style: chr12-124274601-A-AC.
Other names: c.1569dup, p.Phe524Leufs (NM_001083900.1); c.1569dup, p.Phe524fs (NM_207437.3); c.1569dupC (NM_207437.3); short protein forms F524fs, F585fs.
Identifiers: ClinVar variation 2629931 (VCV002629931.1), dbSNP rs2542175506, ClinGen allele CA2695199185.
Genomic context (GRCh38, chr12:123,790,054, plus strand): 5'-TTGATGATGTCCTATGCAGAGTGGACGGCCTAGTCACCCCCATGGAAAACCTGACCTTTG[A>AC]CCCCTTCAGCATCAAGTCCTCCCAGTTCTGGAAATATGTGATGGATGAATTCAAGATTGA-3'

ClinVar aggregate classification (germline): Uncertain significance (1 of 4 stars; one submission).

Conditions:
DNAH10-related disorder. Also called: DNAH10-related condition.

Submission:

PreventionGenetics, part of Exact Sciences
Classification: Uncertain significance for DNAH10-related condition. Last evaluated: 2023-01-17. Review status: criteria provided, single submitter. Criteria: ACMG Guidelines, 2015. Collection method: clinical testing. Allele origin: germline.
Comment: The DNAH10 c.1569dupC variant is predicted to result in a frameshift and premature protein termination (p.Phe524Leufs*15). To our knowledge, this variant has not been reported in the literature or in a large population database, indicating this variant is rare. At this time, the clinical significance of this variant is uncertain due to the absence of conclusive functional and genetic evidence.